The following is an entry in ClinVar:

NM_001261826.3(AP3D1):c.1558G>T (p.Ala520Ser)

Gene: AP3D1 (adaptor related protein complex 3 subunit delta 1; minus strand). Cytogenetic location: 19p13.3.
Variant type: single nucleotide variant.
Coding change: c.1558G>T on transcript NM_001261826.3 (MANE Select); coding-DNA position 1558, G replaced by T.
Protein change: p.Ala520Ser; replaces alanine 520 with serine.
Molecular consequence: missense variant.
Genome position (GRCh38, 1-based): chr19:2,118,756, C>A on the plus strand (G>T on the coding strand, the complement: AP3D1 is on the minus strand). VCF-style: chr19-2118756-C-A. GRCh37 (hg19) VCF-style: chr19-2118755-C-A.
Other names: c.1558G>T, p.Ala520Ser (NM_001374799.1, NM_003938.8); short protein forms A520S.
Identifiers: ClinVar variation 2815454 (VCV002815454.3), dbSNP rs2018529024, ClinGen allele CA403221795.

ClinVar aggregate classification (germline): Uncertain significance (1 of 4 stars; one submission).

Submission:

Labcorp Genetics (formerly Invitae), Labcorp
Classification: Uncertain significance. Last evaluated: 2022-11-20. Review status: criteria provided, single submitter. Criteria: Invitae Variant Classification Sherloc (09022015). Collection method: clinical testing. Allele origin: germline.
Comment: This variant is not present in population databases (gnomAD no frequency). This sequence change replaces alanine, which is neutral and non-polar, with serine, which is neutral and polar, at codon 520 of the AP3D1 protein (p.Ala520Ser). This variant has not been reported in the literature in individuals affected with AP3D1-related conditions. In summary, the available evidence is currently insufficient to determine the role of this variant in disease. Therefore, it has been classified as a Variant of Uncertain Significance. Algorithms developed to predict the effect of missense changes on protein structure and function (SIFT, PolyPhen-2, Align-GVGD) all suggest that this variant is likely to be tolerated.